The following is an entry in ClinVar:

ClinVar aggregate classification (germline): Likely pathogenic (1 of 4 stars; one submission).

Conditions:
Ataxia-telangiectasia syndrome (AT). Also called: LOUIS-BAR SYNDROME; Cerebello-oculocutaneous telangiectasia; Immunodeficiency with ataxia telangiectasia; AT, COMPLEMENTATION GROUP C; Ataxia-telangiectasia, complementation group D; ATAXIA-TELANGIECTASIA, COMPLEMENTATION GROUP A. Identifiers: Orphanet 100, MedGen C0004135, MONDO:0008840, OMIM 208900.

Submission:

Labcorp Genetics (formerly Invitae), Labcorp
Classification: Likely pathogenic for Ataxia-telangiectasia syndrome. Last evaluated: 2022-09-18. Review status: criteria provided, single submitter. Criteria: Invitae Variant Classification Sherloc (09022015). Collection method: clinical testing. Allele origin: unknown.
Comment: In summary, the currently available evidence indicates that the variant is pathogenic, but additional data are needed to prove that conclusively. Therefore, this variant has been classified as Likely Pathogenic. This variant has not been reported in the literature in individuals affected with ATM-related conditions. This variant results in a copy number gain of the genomic region encompassing exon(s) 28-61 of the ATM gene. While the exact position of this variant cannot be determined from the data, sub-genic copy number gains are generally in tandem (PMID: 25640679). This variant is predicted to be out-of-frame, and may result in an absent or disrupted protein product. Loss-of-function variants in ATM are known to be pathogenic (PMID: 23807571, 25614872).

Literature cited by the submitters: PubMed 25640679; PubMed 23807571; PubMed 25614872.

NC_000011.9:g.(?_108159694)_(108225611_?)dup

Gene: ATM (ATM serine/threonine kinase; plus strand). Cytogenetic location: 11q22.3.
Variant type: Duplication.
Identifiers: ClinVar variation 3244498 (VCV003244498.1).